The following is an entry in ClinVar:

NM_001385875.1(ZFYVE27):c.800C>T (p.Thr267Met)

Gene: ZFYVE27 (zinc finger FYVE-type containing 27; plus strand). Cytogenetic location: 10q24.2.
Variant type: single nucleotide variant.
Coding change: c.800C>T on transcript NM_001385875.1 (MANE Select); coding-DNA position 800, C replaced by T.
Protein change: p.Thr267Met; replaces threonine 267 with methionine.
Molecular consequence: missense variant. On other transcripts: non-coding transcript variant (16).
Genome position (GRCh38, 1-based): chr10:97,750,466, C>T. VCF-style: chr10-97750466-C-T. GRCh37 (hg19) VCF-style: chr10-99510223-C-T.
Other names: c.800C>T, p.Thr267Met (NM_001002261.4, NM_001002262.4, NM_001385871.1 and 8 more transcripts); c.704C>T, p.Thr235Met (NM_001174119.2, NM_001385885.1, NM_001385886.1 and 3 more transcripts); c.542C>T, p.Thr181Met (NM_001174120.2, NM_001385901.1, NM_001385902.1 and 3 more transcripts); c.506C>T, p.Thr169Met (NM_001174121.2, NM_001385915.1); c.446C>T, p.Thr149Met (NM_001174122.2, NM_001385918.1); c.839C>T, p.Thr280Met (NM_001385876.1); c.764C>T, p.Thr255Met (NM_001385881.1); c.596C>T, p.Thr199Met (NM_001385897.1, NM_001385898.1, NM_001385890.1 and 6 more transcripts); and 3 more; short protein forms T267M, T169M, T181M, T149M, T235M, T156M, T188M, T199M.
Identifiers: ClinVar variation 212641 (VCV000212641.11), dbSNP rs376664624, ClinGen allele CA207975.

ClinVar aggregate classification (germline): Uncertain significance. Review status: criteria provided, multiple submitters, no conflicts (2 of 4 stars). 4 submissions from 4 submitters: Uncertain significance (4). Last evaluated 2025-05-20.

Conditions:
Spastic paraplegia. Identifiers: MedGen C0037772, HP:0001258.

Allele frequency attached by ClinVar (database versions not stated): ExAC 0.00003; gnomAD exomes 0.00004 and 0.00012; gnomAD 0.00007 and 0.00009; ESP Exome Variant Server 0.00008; TOPMed 0.00008.

Submissions (4):

Women's Health and Genetics/Laboratory Corporation of America, LabCorp
Classification: Uncertain significance. Last evaluated: 2025-05-20. Review status: criteria provided, single submitter. Criteria: LabCorp Variant Classification Summary - May 2015. Collection method: clinical testing. Allele origin: germline.
Comment: Variant summary: ZFYVE27 c.800C>T (p.Thr267Met) results in a non-conservative amino acid change in the encoded protein sequence. Algorithms developed to predict the effect of missense changes on protein structure and function are either unavailable or do not agree on the potential impact of this missense change. The variant allele was found at a frequency of 3.6e-05 in 250922 control chromosomes. The available data on variant occurrences in the general population are insufficient to allow any conclusion about variant significance. To our knowledge, no occurrence of c.800C>T in individuals affected with Hereditary Spastic Paraplegia 33 and no experimental evidence demonstrating its impact on protein function have been reported. ClinVar contains an entry for this variant (Variation ID: 212641). Based on the evidence outlined above, the variant was classified as uncertain significance.

Labcorp Genetics (formerly Invitae), Labcorp
Classification: Uncertain significance for Spastic paraplegia. Last evaluated: 2025-01-20. Review status: criteria provided, single submitter. Criteria: Invitae Variant Classification Sherloc (09022015). Collection method: clinical testing. Allele origin: germline.
Comment: This sequence change replaces threonine, which is neutral and polar, with methionine, which is neutral and non-polar, at codon 267 of the ZFYVE27 protein (p.Thr267Met). This variant is present in population databases (rs376664624, gnomAD 0.009%). This variant has not been reported in the literature in individuals affected with ZFYVE27-related conditions. ClinVar contains an entry for this variant (Variation ID: 212641). An algorithm developed to predict the effect of missense changes on protein structure and function (PolyPhen-2) suggests that this variant is likely to be disruptive. In summary, the available evidence is currently insufficient to determine the role of this variant in disease. Therefore, it has been classified as a Variant of Uncertain Significance.

Ambry Genetics
Classification: Uncertain significance. Last evaluated: 2023-08-28. Review status: criteria provided, single submitter. Criteria: Ambry Variant Classification Scheme 2023. Collection method: clinical testing. Allele origin: germline.

Genetic Services Laboratory, University of Chicago
Classification: Uncertain significance. Last evaluated: 2015-04-05. Review status: criteria provided, single submitter. Criteria: ACMG Guidelines, 2015. Collection method: clinical testing. Allele origin: germline.